The following is an entry in ClinVar:

ClinVar aggregate classification (germline): Uncertain significance (1 of 4 stars; one submission).

Conditions:
RYR1-related disorder. Also called: RYR1-related condition; RYR1-related disorders. Identifiers: MedGen CN239331.

Submission:

Labcorp Genetics (formerly Invitae), Labcorp
Classification: Uncertain significance for RYR1-related disorder. Last evaluated: 2022-10-01. Review status: criteria provided, single submitter. Criteria: Invitae Variant Classification Sherloc (09022015). Collection method: clinical testing. Allele origin: germline.
Comment: In summary, the available evidence is currently insufficient to determine the role of this variant in disease. Therefore, it has been classified as a Variant of Uncertain Significance. Experimental studies and prediction algorithms are not available or were not evaluated, and the functional significance of this variant is currently unknown. This variant has not been reported in the literature in individuals affected with RYR1-related conditions. The frequency data for this variant in the population databases is considered unreliable, as metrics indicate insufficient coverage at this position in the gnomAD database. This sequence change replaces valine, which is neutral and non-polar, with leucine, which is neutral and non-polar, at codon 4317 of the RYR1 protein (p.Val4317Leu).

NM_000540.3(RYR1):c.12948_12949delinsGT (p.Val4317Leu)

Gene: RYR1 (ryanodine receptor 1; plus strand). Cytogenetic location: 19q13.2.
Variant type: Indel.
Coding change: c.12948_12949delinsGT on transcript NM_000540.3 (MANE Select); coding-DNA positions 12948 to 12949, CG replaced by GT.
Protein change: p.Val4317Leu; replaces valine 4317 with leucine.
Molecular consequence: missense variant.
Genome position (GRCh38, 1-based): chr19:38,565,282-38,565,283, CG replaced by GT. VCF-style: chr19-38565282-CG-GT. GRCh37 (hg19) VCF-style: chr19-39055922-CG-GT.
Other names: c.12933_12934delinsGT, p.Val4312Leu (NM_001042723.2); short protein forms V4312L, V4317L.
Identifiers: ClinVar variation 1965235 (VCV001965235.5), dbSNP rs2514677419, ClinGen allele CA2580097187.